The following is an entry in ClinVar:

ClinVar aggregate classification (germline): Likely pathogenic (1 of 4 stars; one submission).

Conditions:
Dilated cardiomyopathy 1G (CMD1G). Identifiers: Orphanet 154, MedGen C1858763, MONDO:0011400, OMIM 604145.
Autosomal recessive limb-girdle muscular dystrophy type 2J (LGMDR10). Also called: Limb-girdle muscular dystrophy, type 2J; MUSCULAR DYSTROPHY, LIMB-GIRDLE, AUTOSOMAL RECESSIVE 10. Identifiers: Orphanet 140922, MedGen C1837342, MONDO:0012127, OMIM 608807.

Submission:

Labcorp Genetics (formerly Invitae), Labcorp
Classification: Likely pathogenic for Dilated cardiomyopathy 1G; Autosomal recessive limb-girdle muscular dystrophy type 2J. Last evaluated: 2024-09-17. Review status: criteria provided, single submitter. Criteria: Invitae Variant Classification Sherloc (09022015). Collection method: clinical testing. Allele origin: germline.
Comment: This sequence change creates a premature translational stop signal (p.Leu1660Asnfs*8) in the TTN gene. While this is not anticipated to result in nonsense mediated decay, it is expected to create a truncated TTN protein. This variant is not present in population databases (gnomAD no frequency). This variant has not been reported in the literature in individuals affected with TTN-related conditions. This variant is located in the Z band of TTN (PMID: 25589632). Truncating variants in this region have been reported in individuals affected with autosomal recessive centronuclear myopathy (PMID: 33449170, internal data). Truncating variants in this region have also been identified in individuals affected with autosomal dominant dilated cardiomyopathy and/or cardio-related conditions (PMID: 27869827, 32964742, internal data). In summary, the currently available evidence indicates that the variant is pathogenic, but additional data are needed to prove that conclusively. Therefore, this variant has been classified as Likely Pathogenic.

Literature cited by the submitters: PubMed 25589632; PubMed 33449170; PubMed 27869827; PubMed 32964742.

NM_001267550.2(TTN):c.4978_4979del (p.Leu1660fs)

Gene: TTN (titin; minus strand). Cytogenetic location: 2q31.2.
Variant type: Deletion.
Coding change: c.4978_4979del on transcript NM_001267550.2 (MANE Select); coding-DNA positions 4978 to 4979, 2 bases deleted (TT; older notation c.4978_4979delTT).
Protein change: p.Leu1660fs; shifts the reading frame from leucine 1660.
Molecular consequence: frameshift variant.
Genome position (GRCh38, 1-based): chr2:178,776,885-178,776,886, AA deleted on the plus strand (TT on the coding strand, the reverse complement: TTN is on the minus strand). VCF-style (leftmost placement, unchanged base first): chr2-178776884-TAA-T. GRCh37 (hg19) VCF-style: chr2-179641611-TAA-T.
Other names: c.4978_4979del, p.Leu1660fs (NM_001256850.1, NM_133378.4, NM_133379.5); c.4840_4841del, p.Leu1614fs (NM_003319.4, NM_133432.3, NM_133437.4); short protein forms L1614fs, L1660fs.
Identifiers: ClinVar variation 3758872 (VCV003758872.2).
Genomic context (GRCh38, chr2:178,776,884, plus strand): 5'-GAGGGGCTCCAGTTCTGGGGCTGCAATCTCCTTTGCTCTATATGTCCCCCGTGGGATGAT[TAA>T]CTTTCTCTCTGGCTCAGGCTCTGCAAACTCAACTTCAACATTTACTTTGCATCTTGTAGT-3'